The following is an entry in ClinVar:

ClinVar aggregate classification (germline): Uncertain significance (1 of 4 stars; one submission).

gnomAD v4.1: 1 of 1,614,214 alleles (0.000062%); highest among the groups gnomAD compares: Non-Finnish European, 0.000085%; no homozygotes.

Submission:

Labcorp Genetics (formerly Invitae), Labcorp
Classification: Uncertain significance. Last evaluated: 2021-01-28. Review status: criteria provided, single submitter. Criteria: Invitae Variant Classification Sherloc (09022015). Collection method: clinical testing. Allele origin: germline.
Comment: In summary, the available evidence is currently insufficient to determine the role of this variant in disease. Therefore, it has been classified as a Variant of Uncertain Significance. Algorithms developed to predict the effect of missense changes on protein structure and function are either unavailable or do not agree on the potential impact of this missense change (SIFT: "Deleterious"; PolyPhen-2: "Possibly Damaging"; Align-GVGD: "Class C0"). This variant has not been reported in the literature in individuals with CTNNA1-related conditions. This variant is not present in population databases (ExAC no frequency). This sequence change replaces alanine with serine at codon 343 of the CTNNA1 protein (p.Ala343Ser). The alanine residue is highly conserved and there is a moderate physicochemical difference between alanine and serine.

NM_001903.5(CTNNA1):c.1027G>T (p.Ala343Ser)

Gene: CTNNA1 (catenin alpha 1; plus strand). Cytogenetic location: 5q31.2.
Variant type: single nucleotide variant.
Coding change: c.1027G>T on transcript NM_001903.5 (MANE Select); coding-DNA position 1027, G replaced by T.
Protein change: p.Ala343Ser; replaces alanine 343 with serine.
Molecular consequence: missense variant.
Genome position (GRCh38, 1-based): chr5:138,827,683, G>T. VCF-style: chr5-138827683-G-T. GRCh37 (hg19) VCF-style: chr5-138163372-G-T.
Other names: c.1027G>T, p.Ala343Ser (NM_001290307.3, NM_001323982.2, NM_001323983.1 and 3 more transcripts); c.718G>T, p.Ala240Ser (NM_001290309.3); c.658G>T, p.Ala220Ser (NM_001290310.3); short protein forms A343S, A220S, A240S.
Identifiers: ClinVar variation 1367293 (VCV001367293.8), dbSNP rs1760857645, ClinGen allele CA361131222.